The following is an entry in ClinVar:

NM_000297.4(PKD2):c.1307T>C (p.Phe436Ser)

Gene: PKD2 (polycystin 2, transient receptor potential cation channel; plus strand). Cytogenetic location: 4q22.1.
Variant type: single nucleotide variant.
Coding change: c.1307T>C on transcript NM_000297.4 (MANE Select); coding-DNA position 1307, T replaced by C.
Protein change: p.Phe436Ser; replaces phenylalanine 436 with serine.
Molecular consequence: missense variant. On other transcripts: non-coding transcript variant (1), intron variant (1).
Genome position (GRCh38, 1-based): chr4:88,043,445, T>C. VCF-style: chr4-88043445-T-C. GRCh37 (hg19) VCF-style: chr4-88964597-T-C.
Other names: c.1095-3197T>C (NM_001440544.1); short protein forms F436S.
Identifiers: ClinVar variation 4991353 (VCV004991353.1).

ClinVar aggregate classification (germline): Uncertain significance (1 of 4 stars; one submission).

Conditions:
PKD2-related disorder. Also called: PKD2-related condition.

Submission:

PreventionGenetics, part of Exact Sciences
Classification: Uncertain significance for PKD2-related condition. Last evaluated: 2026-02-02. Review status: criteria provided, single submitter. Criteria: ACMG Guidelines, 2015. Collection method: clinical testing. Allele origin: germline.
Comment: The PKD2 c.1307T>C variant is predicted to result in the amino acid substitution p.Phe436Ser. To our knowledge, this variant has not been reported in the literature or in a large population database (gnomAD), indicating this variant is rare. The p.Phe436 residue is highly conserved. The REVEL (rare exome variant ensemble learner) program predicts this variant is pathogenic at a "moderate" level (Ioannidis et al. 2016. PubMed ID: 27666373; Bergquist et al. 2024. PubMed ID: 39345488). At this time, the clinical significance of this variant is uncertain due to the absence of conclusive functional and genetic evidence.